The following is an entry in ClinVar:

ClinVar aggregate classification (germline): Uncertain significance (1 of 4 stars; one submission).

Submission:

Ambry Genetics
Classification: Uncertain significance. Last evaluated: 2023-10-19. Review status: criteria provided, single submitter. Criteria: Ambry Variant Classification Scheme 2023. Collection method: clinical testing. Allele origin: germline.
Comment: The p.E231G variant (also known as c.692A>G), located in coding exon 1 of the PALLD gene, results from an A to G substitution at nucleotide position 692. The glutamic acid at codon 231 is replaced by glycine, an amino acid with similar properties. This amino acid position is conserved. In addition, this alteration is predicted to be tolerated by in silico analysis. Since supporting evidence is limited at this time, the clinical significance of this alteration remains unclear.

NM_001166108.2(PALLD):c.692A>G (p.Glu231Gly)

Gene: PALLD (palladin, cytoskeletal associated protein; plus strand). Cytogenetic location: 4q32.3.
Variant type: single nucleotide variant.
Coding change: c.692A>G on transcript NM_001166108.2 (MANE Select); coding-DNA position 692, A replaced by G.
Protein change: p.Glu231Gly; replaces glutamic acid 231 with glycine.
Molecular consequence: missense variant.
Genome position (GRCh38, 1-based): chr4:168,512,196, A>G. VCF-style: chr4-168512196-A-G. GRCh37 (hg19) VCF-style: chr4-169433347-A-G.
Other names: c.692A>G, p.Glu231Gly (NM_016081.4); short protein forms E231G.
Identifiers: ClinVar variation 3226834 (VCV003226834.1), dbSNP rs2531435508, ClinGen allele CA358727947.